The following is an entry in ClinVar:

NM_052947.4(ALPK2):c.793A>G (p.Lys265Glu)

Genes: ALPK2 (alpha kinase 2; minus strand), LOC114803473 (ALPK2 eExon liver enhancer; plus strand). Cytogenetic location: 18q21.31.
Variant type: single nucleotide variant.
Coding change: c.793A>G on transcript NM_052947.4 (MANE Select); coding-DNA position 793, A replaced by G.
Protein change: p.Lys265Glu; replaces lysine 265 with glutamic acid.
Molecular consequence: missense variant.
Genome position (GRCh38, 1-based): chr18:58,579,983, T>C on the plus strand (A>G on the coding strand, the complement: ALPK2 is on the minus strand). VCF-style: chr18-58579983-T-C. GRCh37 (hg19) VCF-style: chr18-56247215-T-C.
Other names: short protein forms K265E.
Identifiers: ClinVar variation 1761308 (VCV001761308.3), dbSNP rs747770821, ClinGen allele CA8977383.

ClinVar aggregate classification (germline): Uncertain significance (1 of 4 stars; one submission).

Allele frequency attached by ClinVar (database versions not stated): ExAC 0.00001; gnomAD 0.00001; TOPMed 0.00001; gnomAD exomes 0.00003.
gnomAD v4.1: 47 of 1,614,128 alleles (0.0029%); highest among the groups gnomAD compares: South Asian, 0.0088%; no homozygotes.

Submission:

Ambry Genetics
Classification: Uncertain significance. Last evaluated: 2024-09-26. Review status: criteria provided, single submitter. Criteria: Ambry Variant Classification Scheme 2023. Collection method: clinical testing. Allele origin: germline.
Comment: The p.K265E variant (also known as c.793A>G), located in coding exon 3 of the ALPK2 gene, results from an A to G substitution at nucleotide position 793. The lysine at codon 265 is replaced by glutamic acid, an amino acid with similar properties. This amino acid position is conserved. In addition, this alteration is predicted to be tolerated by in silico analysis. Since supporting evidence is limited at this time, the clinical significance of this alteration remains unclear.